The following is an entry in ClinVar:

NM_001009944.3(PKD1):c.8792-8T>C

Gene: PKD1 (polycystin 1, transient receptor potential channel interacting; minus strand). Cytogenetic location: 16p13.3.
Variant type: single nucleotide variant.
Coding change: c.8792-8T>C on transcript NM_001009944.3 (MANE Select); 8 bases into the intron before coding-DNA position 8792, T replaced by C.
Molecular consequence: intron variant.
Genome position (GRCh38, 1-based): chr16:2,102,978, A>G on the plus strand (T>C on the coding strand, the complement: PKD1 is on the minus strand). VCF-style: chr16-2102978-A-G. GRCh37 (hg19) VCF-style: chr16-2152979-A-G.
Other names: c.8792-8T>C (NM_000296.4).
Identifiers: ClinVar variation 4979957 (VCV004979957.1).

ClinVar aggregate classification (germline): Likely benign (1 of 4 stars; one submission).

Conditions:
PKD1-related disorder. Also called: PKD1-related condition.

gnomAD v4.1: 14 of 1,601,986 alleles (0.00087%); highest among the groups gnomAD compares: Non-Finnish European, 0.0011%; no homozygotes.

Submission:

PreventionGenetics, part of Exact Sciences
Classification: Likely benign for PKD1-related condition. Last evaluated: 2026-04-16. Review status: criteria provided, single submitter. Criteria: ACMG Guidelines, 2015. Collection method: clinical testing. Allele origin: germline.
Comment: This variant is classified as likely benign based on ACMG/AMP sequence variant interpretation guidelines (Richards et al. 2015 PMID: 25741868, with internal and published modifications).